The following is an entry in ClinVar:

NM_001089.3(ABCA3):c.2404_2405del (p.Ser802fs)

Gene: ABCA3 (ATP binding cassette subfamily A member 3; minus strand). Cytogenetic location: 16p13.3.
Variant type: Microsatellite.
Coding change: c.2404_2405del on transcript NM_001089.3 (MANE Select); coding-DNA positions 2404 to 2405, 2 bases deleted (AG; older notation c.2404_2405delAG).
Protein change: p.Ser802fs; shifts the reading frame from serine 802.
Molecular consequence: frameshift variant.
Genome position (GRCh38, 1-based): chr16:2,295,599-2,295,600, CT deleted on the plus strand (AG on the coding strand, the reverse complement: ABCA3 is on the minus strand); deleting any 2 consecutive bases within chr16:2,295,599-2,295,606 gives the same sequence; the c. name uses the placement nearest the transcript's 3' end. VCF-style (leftmost placement, unchanged base first): chr16-2295598-GCT-G. GRCh37 (hg19) VCF-style: chr16-2345599-GCT-G.
Other names: short protein forms S802fs.
Identifiers: ClinVar variation 2631475 (VCV002631475.4), dbSNP rs2505637318, ClinGen allele CA2695197431.
Genomic context (GRCh38, chr16:2,295,598, plus strand): 5'-GGGGATCCCATCTTGGATGTATACCTGTGCGTGCCCTCCCTGGGAGGCGTACCTGTGCGT[GCT>G]CTCTCTGGGAAGGATGAAAGACAGCTCGGCCCCAGCGCTGCTCTCCAGCGTGGCGTTGGG-3'

ClinVar aggregate classification (germline): Pathogenic. Review status: criteria provided, multiple submitters, no conflicts (2 of 4 stars). 2 submissions from 2 submitters: Pathogenic (2). Last evaluated 2023-12-19.

Conditions:
ABCA3-related disorder. Also called: ABCA3-related condition.

Submissions (2):

Labcorp Genetics (formerly Invitae), Labcorp
Classification: Pathogenic. Last evaluated: 2023-12-19. Review status: criteria provided, single submitter. Criteria: Invitae Variant Classification Sherloc (09022015). Collection method: clinical testing. Allele origin: germline.
Comment: This sequence change creates a premature translational stop signal (p.Ser802Hisfs*5) in the ABCA3 gene. It is expected to result in an absent or disrupted protein product. Loss-of-function variants in ABCA3 are known to be pathogenic (PMID: 27516224). This variant is not present in population databases (gnomAD no frequency). This premature translational stop signal has been observed in individual(s) with clinical features of ABCA3-related conditions (PMID: 24871971). ClinVar contains an entry for this variant (Variation ID: 2631475). For these reasons, this variant has been classified as Pathogenic.

PreventionGenetics, part of Exact Sciences
Classification: Pathogenic for ABCA3-related condition. Last evaluated: 2023-07-17. Review status: criteria provided, single submitter. Criteria: ACMG Guidelines, 2015. Collection method: clinical testing. Allele origin: germline.
Comment: The ABCA3 c.2404_2405delAG variant is predicted to result in a frameshift and premature protein termination (p.Ser802Hisfs*5). This variant was reported in an individual with interstitial lung disease (Table E2, Wambach et al. 2014. PubMed ID: 24871971). This variant has not been reported in a large population database, indicating this variant is rare. Frameshift variants in ABCA3 are expected to be pathogenic. This variant is interpreted as pathogenic.

Literature cited by the submitters: PubMed 27516224 (cited by Labcorp Genetics (formerly Invitae), Labcorp); PubMed 24871971 (cited by Labcorp Genetics (formerly Invitae), Labcorp).